The following is an entry in ClinVar:

ClinVar aggregate classification (germline): Uncertain significance (1 of 4 stars; one submission).

gnomAD v4.1: 1 of 1,614,214 alleles (0.000062%); no homozygotes.

Submission:

Labcorp Genetics (formerly Invitae), Labcorp
Classification: Uncertain significance. Last evaluated: 2021-05-17. Review status: criteria provided, single submitter. Criteria: Invitae Variant Classification Sherloc (09022015). Collection method: clinical testing. Allele origin: germline.
Comment: In summary, the available evidence is currently insufficient to determine the role of this variant in disease. Therefore, it has been classified as a Variant of Uncertain Significance. Algorithms developed to predict the effect of missense changes on protein structure and function are either unavailable or do not agree on the potential impact of this missense change (SIFT: "Not Available"; PolyPhen-2: "Possibly Damaging"; Align-GVGD: "Not Available"). This variant has not been reported in the literature in individuals with VPS13D-related conditions. This variant is not present in population databases (ExAC no frequency). This sequence change replaces aspartic acid with glycine at codon 3165 of the VPS13D protein (p.Asp3165Gly). The aspartic acid residue is moderately conserved and there is a moderate physicochemical difference between aspartic acid and glycine.

NM_015378.4(VPS13D):c.9494A>G (p.Asp3165Gly)

Gene: VPS13D (vacuolar protein sorting 13 homolog D; plus strand). Cytogenetic location: 1p36.22.
Variant type: single nucleotide variant.
Coding change: c.9494A>G on transcript NM_015378.4 (MANE Select); coding-DNA position 9494, A replaced by G.
Protein change: p.Asp3165Gly; replaces aspartic acid 3165 with glycine.
Molecular consequence: missense variant.
Genome position (GRCh38, 1-based): chr1:12,354,036, A>G. VCF-style: chr1-12354036-A-G. GRCh37 (hg19) VCF-style: chr1-12414093-A-G.
Other names: c.9419A>G, p.Asp3140Gly (NM_018156.4); short protein forms D3165G, D3140G.
Identifiers: ClinVar variation 1464415 (VCV001464415.6), dbSNP rs2101599446, ClinGen allele CA338494313.
Genomic context (GRCh38, chr1:12,354,036, plus strand): 5'-TTTGTGTGGCTATAAAGAAAGAGAATTATCCAGATTATATGCCCTCAAACATATTTTCTG[A>G]CAGTGCAAAACAGATTTTCAGACAGCCTGGGCATACCATATATCTCCTGCCAACTGTGGT-3'
Protein context (NP_056193.2, residues 3155-3175): PDYMPSNIFS[Asp3165Gly]SAKQIFRQPG